The following is an entry in ClinVar:

ClinVar aggregate classification (germline): Uncertain significance. Review status: criteria provided, multiple submitters, no conflicts (2 of 4 stars). 3 submissions from 3 submitters: Uncertain significance (3). Last evaluated 2025-11-15.

Allele frequency attached by ClinVar (database versions not stated): gnomAD 0.00002; gnomAD exomes 0.00002 and 0.00003; ExAC 0.00003; TOPMed 0.00004; ESP Exome Variant Server 0.00023.
gnomAD v4.1: 38 of 1,612,814 alleles (0.0024%); highest among the groups gnomAD compares: Non-Finnish European, 0.0031%; no homozygotes.

Submissions (3):

Labcorp Genetics (formerly Invitae), Labcorp
Classification: Uncertain significance. Last evaluated: 2025-11-15. Review status: criteria provided, single submitter. Criteria: Invitae Variant Classification Sherloc (09022015). Collection method: clinical testing. Allele origin: germline.
Comment: This sequence change replaces glycine, which is neutral and non-polar, with serine, which is neutral and polar, at codon 346 of the COL9A3 protein (p.Gly346Ser). This variant is present in population databases (rs377666988, gnomAD 0.005%). This missense change has been observed in individual(s) with scoliosis (PMID: 26566670). ClinVar contains an entry for this variant (Variation ID: 1489248). Invitae Evidence Modeling of protein sequence and biophysical properties (such as structural, functional, and spatial information, amino acid conservation, physicochemical variation, residue mobility, and thermodynamic stability) indicates that this missense variant is expected to disrupt COL9A3 protein function with a positive predictive value of 95%. In summary, the available evidence is currently insufficient to determine the role of this variant in disease. Therefore, it has been classified as a Variant of Uncertain Significance.

Blueprint Genetics
Classification: Uncertain significance. Last evaluated: 2024-04-24. Review status: criteria provided, single submitter. Criteria: ACMG Guidelines, 2015. Collection method: clinical testing. Allele origin: germline.

GeneDx
Classification: Uncertain significance. Last evaluated: 2024-04-04. Review status: criteria provided, single submitter. Criteria: GeneDx Variant Classification Process June 2021. Collection method: clinical testing. Allele origin: germline. Affected: yes.
Comment: Identified in a patient with adolescent idiopathic scoliosis (AIS) (PMID: 26566670); In silico analysis supports that this missense variant has a deleterious effect on protein structure/function; This variant is associated with the following publications: (PMID: 26566670)

Literature cited by the submitters: PubMed 26566670 (cited by Labcorp Genetics (formerly Invitae), Labcorp).

NM_001853.4(COL9A3):c.1036G>A (p.Gly346Ser)

Gene: COL9A3 (collagen type IX alpha 3 chain; plus strand). Cytogenetic location: 20q13.33.
Variant type: single nucleotide variant.
Coding change: c.1036G>A on transcript NM_001853.4 (MANE Select); coding-DNA position 1036, G replaced by A.
Protein change: p.Gly346Ser; replaces glycine 346 with serine.
Molecular consequence: missense variant.
Genome position (GRCh38, 1-based): chr20:62,829,482, G>A. VCF-style: chr20-62829482-G-A. GRCh37 (hg19) VCF-style: chr20-61460834-G-A.
Other names: c.1036G>A (NM_001853.3); short protein forms G346S.
Identifiers: ClinVar variation 1489248 (VCV001489248.8), dbSNP rs377666988, ClinGen allele CA9949699.
Genomic context (GRCh38, chr20:62,829,482, plus strand): 5'-TGGCAGCCCTGACCGCAAGCTCTCTCCTGGCAGGGCCTCCCTGGACGAGCGGGGTCCAAA[G>A]GCGAGAAGGGAGAACGGGTATGTGGCTGCAGCCGCTTTCTCTCTGGGAGGGGAGGCGAGG-3'
Protein context (NP_001844.3, residues 336-356): PGLPGRAGSK[Gly346Ser]EKGERGRAGE